The following is an entry in ClinVar:

ClinVar aggregate classification (germline): Likely benign. Review status: criteria provided, multiple submitters, no conflicts (2 of 4 stars). 2 submissions from 2 submitters: Likely benign (2). Last evaluated 2025-04-30.

Conditions:
EYS-related disorder. Also called: EYS-related condition.

Allele frequency attached by ClinVar (database versions not stated): gnomAD 0.00001; gnomAD exomes 0.00001 and 0.00003; TOPMed 0.00002.
gnomAD v4.1: 48 of 1,551,798 alleles (0.0031%); highest among the groups gnomAD compares: Non-Finnish European, 0.0042%; no homozygotes.

Submissions (2):

PreventionGenetics, part of Exact Sciences
Classification: Likely benign for EYS-related condition. Last evaluated: 2025-04-30. Review status: criteria provided, single submitter. Criteria: ACMG Guidelines, 2015. Collection method: clinical testing. Allele origin: germline.
Comment: This variant is classified as likely benign based on ACMG/AMP sequence variant interpretation guidelines (Richards et al. 2015 PMID: 25741868, with internal and published modifications).

Labcorp Genetics (formerly Invitae), Labcorp
Classification: Likely benign. Last evaluated: 2024-01-04. Review status: criteria provided, single submitter. Criteria: Invitae Variant Classification Sherloc (09022015). Collection method: clinical testing. Allele origin: germline.

NM_001142800.2(EYS):c.8781T>C (p.Cys2927=)

Genes: EYS (EGF-like photoreceptor maintenance factor; minus strand), PHF3 (PHD finger protein 3; plus strand). Cytogenetic location: 6q12.
Variant type: single nucleotide variant.
Coding change: c.8781T>C on transcript NM_001142800.2 (MANE Select); coding-DNA position 8781, T replaced by C.
Protein change: p.Cys2927=; no amino-acid change (cysteine 2927 retained).
Molecular consequence: synonymous variant. On other transcripts: 3 prime UTR variant (5).
Genome position (GRCh38, 1-based): chr6:63,721,250, A>G on the plus strand (T>C on the coding strand, the complement: EYS is on the minus strand). VCF-style: chr6-63721250-A-G. GRCh37 (hg19) VCF-style: chr6-64431146-A-G.
Other names: c.8781T>C (NM_001142800.1); c.*7542A>G (NM_001290259.2, NM_001370348.2, NM_001370349.2 and 2 more transcripts); c.8844T>C, p.Cys2948= (NM_001292009.2).
Identifiers: ClinVar variation 1102838 (VCV001102838.10), dbSNP rs1243152455, ClinGen allele CA450862371.